The following is an entry in ClinVar:

NM_001384474.1(LOXHD1):c.6080dup (p.Gly2028fs)

Gene: LOXHD1 (lipoxygenase homology PLAT domains 1; minus strand). Cytogenetic location: 18q21.1.
Variant type: Duplication.
Coding change: c.6080dup on transcript NM_001384474.1 (MANE Select); coding-DNA position 6080, one base duplicated (G; older notation c.6080dupG).
Protein change: p.Gly2028fs; shifts the reading frame from glycine 2028.
Molecular consequence: frameshift variant.
Genome position (GRCh38, 1-based): chr18:46,485,121, C duplicated on the plus strand (G on the coding strand, the reverse complement: LOXHD1 is on the minus strand); the first of 2 consecutive C bases (chr18:46,485,121-46,485,122); duplicating either gives the same sequence. VCF-style (leftmost placement, unchanged base first): chr18-46485120-T-TC. GRCh37 (hg19) VCF-style: chr18-44065083-T-TC.
Other names: c.2747dup, p.Gly917fs (NM_001145472.3); c.797dup, p.Gly267fs (NM_001145473.3, NM_001173129.2); c.2459dup, p.Gly821fs (NM_001308013.2); c.5894dup, p.Gly1966fs (NM_144612.7); c.5894dupG (NM_144612.6); short protein forms G1966fs, G821fs, G917fs, G267fs, G2028fs.
Identifiers: ClinVar variation 236044 (VCV000236044.2), dbSNP rs878853231, ClinGen allele CA10581515.

ClinVar aggregate classification (germline): Pathogenic. Review status: criteria provided, single submitter (1 of 4 stars). 2 submissions from 2 submitters: Pathogenic (1). 1 of the submissions does not count toward it. Last evaluated 2024-05-14.

Conditions:
Autosomal recessive nonsyndromic hearing loss 77. Identifiers: Orphanet 90636, MedGen C2746083, MONDO:0013119, OMIM 613079.

Submissions (2):

Myriad Genetics, Inc.
Classification: Pathogenic for Autosomal recessive nonsyndromic hearing loss 77. Last evaluated: 2024-05-14. Review status: criteria provided, single submitter. Criteria: Myriad Autosomal Dominant, Autosomal Recessive and X-Linked Classification Criteria (2023). Collection method: clinical testing. Allele origin: unknown.
Comment: NM_144612.6(LOXHD1):c.5894dupG(G1966Rfs*28) is expected to be pathogenic in the context of nonsyndromic hearing loss, LOXHD1-related. This variant is predicted to lead to an abnormal or absent protein product due to the creation of a premature termination codon in LOXHD1, a gene where loss-of-function variants are known to be pathogenic. Please note: this variant was assessed in the context of healthy population screening.

Laboratory of Prof. Karen Avraham, Tel Aviv University
Classification: Pathogenic for Autosomal recessive nonsyndromic hearing loss 77. Last evaluated: 2016-02-16. Review status: no assertion criteria provided. Collection method: research. Allele origin: germline. Affected: yes. Not counted in ClinVar's aggregate classification.
Comment: Congenital, profound HL

NSHL; recessive, DFNB77